The following is an entry in ClinVar:

NM_005879.3(TRAIP):c.796-2A>G

Gene: TRAIP (TRAF interacting protein; minus strand). Cytogenetic location: 3p21.31.
Variant type: single nucleotide variant.
Coding change: c.796-2A>G on transcript NM_005879.3 (MANE Select); the canonical splice acceptor site of the intron before coding-DNA position 796, A replaced by G.
Molecular consequence: splice acceptor variant.
Genome position (GRCh38, 1-based): chr3:49,839,862, T>C on the plus strand (A>G on the coding strand, the complement: TRAIP is on the minus strand). VCF-style: chr3-49839862-T-C. GRCh37 (hg19) VCF-style: chr3-49877295-T-C.
Identifiers: ClinVar variation 2119077 (VCV002119077.4), dbSNP rs1473208611, ClinGen allele CA352863102.
Genomic context (GRCh38, chr3:49,839,862, plus strand): 5'-CTGGCCACTGGTGGCAGGTTCAAGGTTTCCTGCAGCATCGTTAGCTTCTTTTTCAGGCTC[T>C]TGGGGAGGGAAAGAAAAGTGTGTGAGAGAAAGGCTGAGGCATCAAGTCCGGAGATAATGC-3'

ClinVar aggregate classification (germline): Likely pathogenic (1 of 4 stars; one submission).

Allele frequency attached by ClinVar (database versions not stated): gnomAD exomes below 0.00001; TOPMed 0.00001.
gnomAD v4.1: 2 of 1,614,176 alleles (0.00012%); highest among the groups gnomAD compares: Non-Finnish European, 0.00017%; no homozygotes.

Submission:

Labcorp Genetics (formerly Invitae), Labcorp
Classification: Likely pathogenic. Last evaluated: 2022-03-28. Review status: criteria provided, single submitter. Criteria: Invitae Variant Classification Sherloc (09022015). Collection method: clinical testing. Allele origin: germline.
Comment: In summary, the currently available evidence indicates that the variant is pathogenic, but additional data are needed to prove that conclusively. Therefore, this variant has been classified as Likely Pathogenic. Algorithms developed to predict the effect of sequence changes on RNA splicing suggest that this variant may disrupt the consensus splice site. This variant has not been reported in the literature in individuals affected with TRAIP-related conditions. This variant is not present in population databases (gnomAD no frequency). This sequence change affects an acceptor splice site in intron 9 of the TRAIP gene. It is expected to disrupt RNA splicing. Variants that disrupt the donor or acceptor splice site typically lead to a loss of protein function (PMID: 16199547), and loss-of-function variants in TRAIP are known to be pathogenic (PMID: 26595769, 31974414).

Literature cited by the submitters: PubMed 16199547; PubMed 26595769; PubMed 31974414.